The following is an entry in ClinVar:

NM_001356.5(DDX3X):c.1498-2A>G

Gene: DDX3X (DEAD-box helicase 3 X-linked; plus strand). Cytogenetic location: Xp11.4.
Variant type: single nucleotide variant.
Coding change: c.1498-2A>G on transcript NM_001356.5 (MANE Select); the canonical splice acceptor site of the intron before coding-DNA position 1498, A replaced by G.
Molecular consequence: splice acceptor variant.
Genome position (GRCh38, 1-based): chrX:41,346,503, A>G. VCF-style: chrX-41346503-A-G. GRCh37 (hg19) VCF-style: chrX-41205756-A-G.
Other names: c.1498-2A>G (NM_001193416.3); c.1450-2A>G (NM_001193417.3); c.940-2A>G (NM_001363819.1).
Identifiers: ClinVar variation 429815 (VCV000429815.5), dbSNP rs1131691608, ClinGen allele CA412776047.

ClinVar aggregate classification (germline): Pathogenic. Review status: criteria provided, multiple submitters, no conflicts (2 of 4 stars). 2 submissions from 2 submitters: Pathogenic (2). Last evaluated 2015-09-14.

Conditions:
Inborn genetic diseases. Identifiers: MedGen C0950123, MeSH D030342.

Submissions (2):

GeneDx
Classification: Pathogenic. Last evaluated: 2015-09-14. Review status: criteria provided, single submitter. Criteria: GeneDx Variant Classification (06012015). Collection method: clinical testing. Allele origin: germline. Affected: yes.
Comment: The c.1498-2A>G variant in the DDX3X gene has not been reported previously as a pathogenic variant nor as a benign polymorphism, to our knowledge. This splice site variant destroys the canonical splice acceptor site in intron 13. It is predicted to cause abnormal gene splicing, either leading to an abnormal message that is subject to nonsense-mediated mRNA decay, or to an abnormal protein product if the message is used for protein translation. The c.1498-2A>G variant was not observed in approximately 6500 individuals of European and African American ancestry in the NHLBI Exome Sequencing Project, indicating it is not a common benign variant in these populations. We interpret c.1498-2A>G as a pathogenic variant.

Ambry Genetics
Classification: Pathogenic for Inborn genetic diseases. Last evaluated: 2015-07-30. Review status: criteria provided, single submitter. Criteria: Ambry exome assertion method (8-5-2015). Collection method: clinical testing. Allele origin: germline. Affected: yes. Observed: 1 variant allele.